The following is an entry in ClinVar:

NM_001457.4(FLNB):c.*732G>A

Gene: FLNB (filamin B; plus strand). Cytogenetic location: 3p14.3.
Variant type: single nucleotide variant.
Coding change: c.*732G>A on transcript NM_001457.4 (MANE Select); 732 bases downstream of the stop codon, G replaced by A.
Molecular consequence: 3 prime UTR variant.
Genome position (GRCh38, 1-based): chr3:58,171,494, G>A. VCF-style: chr3-58171494-G-A. GRCh37 (hg19) VCF-style: chr3-58157221-G-A.
Other names: c.*732G>A (NM_001164317.2, NM_001164318.2, NM_001164319.2).
Identifiers: ClinVar variation 899786 (VCV000899786.4), dbSNP rs75749642, ClinGen allele CA75435897.

ClinVar aggregate classification (germline): Likely benign (1 of 4 stars; one submission).

Conditions:
FLNB-Related Spectrum Disorders.

Allele frequency attached by ClinVar (database versions not stated): 1000 Genomes Project 30x 0.00172; 1000 Genomes Project 0.00180; TOPMed 0.00288; gnomAD 0.00378 and 0.00385; gnomAD exomes 0.00543.
gnomAD v4.1: 570 of 152,410 alleles (0.37%); highest among the groups gnomAD compares: Non-Finnish European, 0.6%; 2 homozygotes.

Submission:

Illumina Laboratory Services, Illumina
Classification: Likely benign for FLNB-Related Spectrum Disorders. Last evaluated: 2018-01-13. Review status: criteria provided, single submitter. Criteria: ICSL Variant Classification Criteria 13 December 2019. Collection method: clinical testing. Allele origin: germline.
Comment: This variant was observed in the ICSL laboratory as part of a predisposition screen in an ostensibly healthy population. It had not been previously curated by ICSL or reported in the Human Gene Mutation Database (HGMD: prior to June 1st, 2018), and was therefore a candidate for classification through an automated scoring system. Utilizing variant allele frequency, disease prevalence and penetrance estimates, and inheritance mode, an automated score was calculated to assess if this variant is too frequent to cause the disease. Based on the score and internal cut-off values, a variant classified as likely benign is not then subjected to further curation. The score for this variant resulted in a classification of likely benign for this disease.